The following is an entry in ClinVar:

ClinVar aggregate classification (germline): Pathogenic. Review status: criteria provided, multiple submitters, no conflicts (2 of 4 stars). 5 submissions from 5 submitters: Pathogenic (5). Last evaluated 2026-01-28.

Conditions:
Intellectual disability, autosomal recessive 53 (NEDHSCA). Also called: GLYCOSYLPHOSPHATIDYLINOSITOL BIOSYNTHESIS DEFECT 13; Mental retardation, autosomal recessive 53; NEURODEVELOPMENTAL DISORDER WITH OR WITHOUT HYPOTONIA, SEIZURES, AND CEREBELLAR ATROPHY. Identifiers: Orphanet 488635, MedGen C4310794, MONDO:0014832, OMIM 616917.
Inborn genetic diseases. Identifiers: MedGen C0950123, MeSH D030342.

Allele frequency attached by ClinVar (database versions not stated): gnomAD exomes 0.00001; ExAC 0.00002.

Submissions (5):

Labcorp Genetics (formerly Invitae), Labcorp
Classification: Pathogenic for Intellectual disability, autosomal recessive 53. Last evaluated: 2026-01-28. Review status: criteria provided, single submitter. Criteria: Invitae Variant Classification Sherloc (09022015). Collection method: clinical testing. Allele origin: germline.
Comment: This sequence change creates a premature translational stop signal (p.Arg304*) in the PIGG gene. It is expected to result in an absent or disrupted protein product. Loss-of-function variants in PIGG are known to be pathogenic (PMID: 26996948, 28581210, 28771251). This variant is present in population databases (rs752545577, gnomAD 0.002%). This variant has not been reported in the literature in individuals affected with PIGG-related conditions. ClinVar contains an entry for this variant (Variation ID: 807654). For these reasons, this variant has been classified as Pathogenic.

GeneDx
Classification: Pathogenic. Last evaluated: 2025-01-14. Review status: criteria provided, single submitter. Criteria: GeneDx Variant Classification Process June 2021. Collection method: clinical testing. Allele origin: germline. Affected: yes.
Comment: Nonsense variant predicted to result in protein truncation or nonsense mediated decay in a gene for which loss of function is a known mechanism of disease; Not observed at significant frequency in large population cohorts (gnomAD); Published functional study was inconclusive regarding the impact of p.R304* on enzymatic activity (PMID: 34113002); This variant is associated with the following publications: (PMID: 28771251, 26996948, 28581210, 34113002)

Ambry Genetics
Classification: Pathogenic for Inborn genetic diseases. Last evaluated: 2022-06-09. Review status: criteria provided, single submitter. Criteria: Ambry Variant Classification Scheme 2023. Collection method: clinical testing. Allele origin: germline.
Comment: The c.910C>T (p.R304*) alteration, located in exon 6 (coding exon 6) of the PIGG gene, consists of a C to T substitution at nucleotide position 910. This changes the amino acid from an arginine (R) to a stop codon at amino acid position 304. This alteration is expected to result in loss of function by premature protein truncation or nonsense-mediated mRNA decay. Based on data from gnomAD, the T allele has an overall frequency of 0.001% (2/251464) total alleles studied. The highest observed frequency was 0.002% (2/113750) of European (non-Finnish) alleles. Based on the available evidence, this alteration is classified as pathogenic.

Institute of Human Genetics Munich, TUM University Hospital
Classification: Pathogenic for Intellectual disability, autosomal recessive 53. Last evaluated: 2018-12-10. Review status: criteria provided, single submitter. Criteria: Classification criteria August 2017. Collection method: clinical testing. Allele origin: maternal. Inheritance: Autosomal recessive inheritance. Affected: yes. Observed: 1 compound heterozygote.

Baylor Genetics
Classification: Pathogenic for Intellectual disability, autosomal recessive 53. Last evaluated: 2018-11-08. Review status: criteria provided, single submitter. Criteria: ACMG Guidelines, 2015. Collection method: clinical testing. Allele origin: paternal. Affected: yes.
Comment: This variant was determined to be pathogenic according to ACMG Guidelines, 2015 [PMID:25741868].

Literature cited by the submitters: PubMed 26996948 (cited by Labcorp Genetics (formerly Invitae), Labcorp); PubMed 28581210 (cited by Labcorp Genetics (formerly Invitae), Labcorp); PubMed 28771251 (cited by Labcorp Genetics (formerly Invitae), Labcorp).

NM_001127178.3(PIGG):c.910C>T (p.Arg304Ter)

Gene: PIGG (phosphatidylinositol glycan anchor biosynthesis class G (EMM blood group); plus strand). Cytogenetic location: 4p16.3.
Variant type: single nucleotide variant.
Coding change: c.910C>T on transcript NM_001127178.3 (MANE Select); coding-DNA position 910, C replaced by T.
Protein change: p.Arg304Ter; replaces arginine 304 with a stop codon.
Molecular consequence: nonsense. On other transcripts: 5 prime UTR variant (4), non-coding transcript variant (10).
Genome position (GRCh38, 1-based): chr4:515,981, C>T. VCF-style: chr4-515981-C-T. GRCh37 (hg19) VCF-style: chr4-509770-C-T.
Other names: c.643C>T, p.Arg215Ter (NM_001289051.2, NM_001289053.2, NM_001289057.2 and 2 more transcripts); c.511C>T, p.Arg171Ter (NM_001289052.2); c.544C>T, p.Arg182Ter (NM_001289055.2); c.-120C>T (NM_001345988.2); c.910C>T, p.Arg304Ter (NM_001345989.2, NM_017733.5); c.-716C>T (NM_001345990.2); c.-578C>T (NM_001345991.2); c.-303C>T (NM_001345994.2); short protein forms R215*, R171*, R182*, R304*.
Identifiers: ClinVar variation 807654 (VCV000807654.15), dbSNP rs752545577, ClinGen allele CA2793150.